The following is an entry in ClinVar:

NM_006231.4(POLE):c.5229C>G (p.His1743Gln)

Gene: POLE (DNA polymerase epsilon, catalytic subunit; minus strand). Cytogenetic location: 12q24.33.
Variant type: single nucleotide variant.
Coding change: c.5229C>G on transcript NM_006231.4 (MANE Select); coding-DNA position 5229, C replaced by G.
Protein change: p.His1743Gln; replaces histidine 1743 with glutamine.
Molecular consequence: missense variant.
Genome position (GRCh38, 1-based): chr12:132,641,796, G>C on the plus strand (C>G on the coding strand, the complement: POLE is on the minus strand). VCF-style: chr12-132641796-G-C. GRCh37 (hg19) VCF-style: chr12-133218382-G-C.
Other names: short protein forms H1743Q.
Identifiers: ClinVar variation 4805356 (VCV004805356.1).

ClinVar aggregate classification (germline): Uncertain significance (1 of 4 stars; one submission).

Submission:

Labcorp Genetics (formerly Invitae), Labcorp
Classification: Uncertain significance. Last evaluated: 2025-04-08. Review status: criteria provided, single submitter. Criteria: Invitae Variant Classification Sherloc (09022015). Collection method: clinical testing. Allele origin: germline.
Comment: This sequence change replaces histidine, which is basic and polar, with glutamine, which is neutral and polar, at codon 1743 of the POLE protein (p.His1743Gln). This variant is not present in population databases (gnomAD no frequency). This variant has not been reported in the literature in individuals affected with POLE-related conditions. Invitae Evidence Modeling of protein sequence and biophysical properties (such as structural, functional, and spatial information, amino acid conservation, physicochemical variation, residue mobility, and thermodynamic stability) indicates that this missense variant is not expected to disrupt POLE protein function with a negative predictive value of 80%. In summary, the available evidence is currently insufficient to determine the role of this variant in disease. Therefore, it has been classified as a Variant of Uncertain Significance.